The following is an entry in ClinVar:

ClinVar aggregate classification (germline): Uncertain significance (1 of 4 stars; one submission).

Conditions:
Hereditary cancer-predisposing syndrome. Also called: Tumor predisposition; Hereditary Cancer Syndrome; Hereditary neoplastic syndrome; Neoplastic Syndromes, Hereditary. Identifiers: Orphanet 140162, MedGen C0027672, MeSH D009386, MONDO:0015356.

Submission:

Ambry Genetics
Classification: Uncertain significance for Hereditary cancer-predisposing syndrome. Last evaluated: 2023-06-28. Review status: criteria provided, single submitter. Criteria: Ambry Variant Classification Scheme 2023. Collection method: clinical testing. Allele origin: germline.
Comment: The p.D504N variant (also known as c.1510G>A), located in coding exon 10 of the CTNNA1 gene, results from a G to A substitution at nucleotide position 1510. The aspartic acid at codon 504 is replaced by asparagine, an amino acid with highly similar properties. This amino acid position is conserved. In addition, this alteration is predicted to be tolerated by in silico analysis. Since supporting evidence is limited at this time, the clinical significance of this alteration remains unclear.

NM_001903.5(CTNNA1):c.1510G>A (p.Asp504Asn)

Gene: CTNNA1 (catenin alpha 1; plus strand). Cytogenetic location: 5q31.2.
Variant type: single nucleotide variant.
Coding change: c.1510G>A on transcript NM_001903.5 (MANE Select); coding-DNA position 1510, G replaced by A.
Protein change: p.Asp504Asn; replaces aspartic acid 504 with asparagine.
Molecular consequence: missense variant.
Genome position (GRCh38, 1-based): chr5:138,917,862, G>A. VCF-style: chr5-138917862-G-A. GRCh37 (hg19) VCF-style: chr5-138253551-G-A.
Other names: c.1510G>A, p.Asp504Asn (NM_001290307.3, NM_001323982.2, NM_001323983.1 and 2 more transcripts); c.1201G>A, p.Asp401Asn (NM_001290309.3); c.1141G>A, p.Asp381Asn (NM_001290310.3); c.400G>A, p.Asp134Asn (NM_001290312.1, NM_001323987.1, NM_001323988.1 and 17 more transcripts); c.1417G>A, p.Asp473Asn (NM_001323986.2); c.61G>A, p.Asp21Asn (NM_001324006.1, NM_001324007.1, NM_001324008.1 and 2 more transcripts); c.307G>A, p.Asp103Asn (NM_001324011.1); c.157G>A, p.Asp53Asn (NM_001324012.1, NM_001324013.1); short protein forms D21N, D504N, D401N, D53N, D103N, D134N, D381N, D473N.
Identifiers: ClinVar variation 2625475 (VCV002625475.2), dbSNP rs2150234636, ClinGen allele CA361137348.
Genomic context (GRCh38, chr5:138,917,862, plus strand): 5'-ATGGATCTTTTTAAAGAACAATGGGAAAAACAAGTCCGTGTTCTCACAGATGCTGTCGAT[G>A]ACATTACTTCCATTGATGACTTCTTGGCTGTCTCAGGTAATGAGCTGGTTCCCCAGAGAA-3'
Protein context (NP_001894.2, residues 494-514): QVRVLTDAVD[Asp504Asn]ITSIDDFLAV